The following is an entry in ClinVar:

NM_002821.5(PTK7):c.806G>A (p.Arg269His)

Gene: PTK7 (protein tyrosine kinase 7 (inactive); plus strand). Cytogenetic location: 6p21.1.
Variant type: single nucleotide variant.
Coding change: c.806G>A on transcript NM_002821.5 (MANE Select); coding-DNA position 806, G replaced by A.
Protein change: p.Arg269His; replaces arginine 269 with histidine.
Molecular consequence: missense variant. On other transcripts: non-coding transcript variant (2).
Genome position (GRCh38, 1-based): chr6:43,130,655, G>A. VCF-style: chr6-43130655-G-A. GRCh37 (hg19) VCF-style: chr6-43098393-G-A.
Other names: c.830G>A, p.Arg277His (NM_001270398.2); c.806G>A, p.Arg269His (NM_152880.4, NM_152881.4, NM_152882.4); short protein forms R277H, R269H.
Identifiers: ClinVar variation 4988545 (VCV004988545.1).
Genomic context (GRCh38, chr6:43,130,655, plus strand): 5'-CAGCCCAGCCACCCCCGAGCCTGCAGTGGCTCTTTGAGGATGAGACTCCCATCACTAACC[G>A]CAGTCGGTAAGGCATCTGGCTGGGAGCATTCCAGTACCATGTACCACACACATGCATTCT-3'
Protein context (NP_002812.2, residues 259-279): LFEDETPITN[Arg269His]SRPPHLRRAT

ClinVar aggregate classification (germline): Likely benign (1 of 4 stars; one submission).

Conditions:
PTK7-related disorder. Also called: PTK7-related condition.

gnomAD v4.1: 801 of 1,614,136 alleles (0.05%); highest among the groups gnomAD compares: Middle Eastern, 0.41%; 2 homozygotes.

Submission:

PreventionGenetics, part of Exact Sciences
Classification: Likely benign for PTK7-related condition. Last evaluated: 2026-02-04. Review status: criteria provided, single submitter. Criteria: ACMG Guidelines, 2015. Collection method: clinical testing. Allele origin: germline.
Comment: This variant is classified as likely benign based on ACMG/AMP sequence variant interpretation guidelines (Richards et al. 2015 PMID: 25741868, with internal and published modifications).